The following is an entry in ClinVar:

ClinVar aggregate classification (germline): Uncertain significance (0 of 4 stars; one submission).

Conditions:
VPS13B-related disorder. Also called: VPS13B-related condition.

Submission:

PreventionGenetics, part of Exact Sciences
Classification: Uncertain significance for VPS13B-related condition. Last evaluated: 2023-12-05. Review status: no assertion criteria provided. Collection method: clinical testing. Allele origin: germline.
Comment: The VPS13B c.6275A>G variant is predicted to result in the amino acid substitution p.Lys2092Arg. To our knowledge, this variant has not been reported in the literature or in a large population database, indicating this variant is rare. At this time, the clinical significance of this variant is uncertain due to the absence of conclusive functional and genetic evidence.

NM_152564.5(VPS13B):c.6275A>G (p.Lys2092Arg)

Gene: VPS13B (vacuolar protein sorting 13 homolog B; plus strand). Cytogenetic location: 8q22.2.
Variant type: single nucleotide variant.
Coding change: c.6275A>G on transcript NM_152564.5 (MANE Select); coding-DNA position 6275, A replaced by G.
Protein change: p.Lys2092Arg; replaces lysine 2092 with arginine.
Molecular consequence: missense variant.
Genome position (GRCh38, 1-based): chr8:99,699,753, A>G. VCF-style: chr8-99699753-A-G. GRCh37 (hg19) VCF-style: chr8-100711981-A-G.
Other names: c.6350A>G, p.Lys2117Arg (NM_017890.5); short protein forms K2092R, K2117R.
Identifiers: ClinVar variation 3349343 (VCV003349343.1).
Genomic context (GRCh38, chr8:99,699,753, plus strand): 5'-TCTCCAAATATTACCGTGGAAAGTTGTCTAAACCCAAAATTCATGGTGATGGAGTGCAAA[A>G]GATTTCAGCTCAAGAAAACATGTGGAGAGCTGTTTCCTGCTTTCAAAAAATTTCTGTTCA-3'
Protein context (NP_689777.3, residues 2082-2102): KPKIHGDGVQ[Lys2092Arg]ISAQENMWRA